The following is an entry in ClinVar:

ClinVar aggregate classification (germline): Uncertain significance (1 of 4 stars; one submission).

Submission:

Labcorp Genetics (formerly Invitae), Labcorp
Classification: Uncertain significance. Last evaluated: 2022-06-04. Review status: criteria provided, single submitter. Criteria: Invitae Variant Classification Sherloc (09022015). Collection method: clinical testing. Allele origin: germline.
Comment: This sequence change creates a premature translational stop signal (p.Asn1026*) in the SNRNP200 gene. It is expected to result in an absent or disrupted protein product. However, the current clinical and genetic evidence is not sufficient to establish whether loss-of-function variants in SNRNP200 cause disease. This variant is not present in population databases (gnomAD no frequency). This variant has not been reported in the literature in individuals affected with SNRNP200-related conditions. In summary, the available evidence is currently insufficient to determine the role of this variant in disease. Therefore, it has been classified as a Variant of Uncertain Significance.

NM_014014.5(SNRNP200):c.3075_3076insTG (p.Asn1026Ter)

Gene: SNRNP200 (small nuclear ribonucleoprotein U5 subunit 200; minus strand). Cytogenetic location: 2q11.2.
Variant type: Insertion.
Coding change: c.3075_3076insTG on transcript NM_014014.5 (MANE Select); coding-DNA positions 3075 to 3076, TG inserted.
Protein change: p.Asn1026Ter; replaces asparagine 1026 with a stop codon.
Molecular consequence: nonsense.
Genome position: GRCh38 VCF-style: chr2-96289244-T-TCA. GRCh37 (hg19) VCF-style: chr2-96954982-T-TCA.
Other names: short protein forms N1026*.
Identifiers: ClinVar variation 2002403 (VCV002002403.4), dbSNP rs2467333487, ClinGen allele CA2580068326.
Genomic context (GRCh38, chr2:96,289,244, plus strand): 5'-GGTGAGCACCAACTCCCCGCCCCATCATGCTGCATAGGCTCACCTCTCTCACTGTGATGT[T>TCA]CTTGAACTCAGAGGACAATGAGAAGACCCTGAAAAGCTCAATCTCACTCAGGGTGGGCTT-3'